The following is an entry in ClinVar:

NM_000218.3(KCNQ1):c.1252-3dup

Gene: KCNQ1 (potassium voltage-gated channel subfamily Q member 1; plus strand). Cytogenetic location: 11p15.5.
Variant type: Duplication.
Coding change: c.1252-3dup on transcript NM_000218.3 (MANE Select); 3 bases into the intron before coding-DNA position 1252, one base duplicated (T; older notation c.1252-3dupT).
Molecular consequence: intron variant.
Genome position (GRCh38, 1-based): chr11:2,588,710, T duplicated; the last of 8 consecutive T bases (chr11:2,588,703-2,588,710); duplicating any one gives the same sequence. VCF-style (leftmost placement, unchanged base first): chr11-2588702-G-GT. GRCh37 (hg19) VCF-style: chr11-2609932-G-GT.
Other names: c.982-3dup (NM_001406837.1); c.1156-3dup (NM_001406836.1); c.712-3dup (NM_001406838.1); c.871-3dup (NM_181798.2); c.1252-3dupT (NM_000218.2).
Identifiers: ClinVar variation 923645 (VCV000923645.16), dbSNP rs12720450, ClinGen allele CA5822084.

ClinVar aggregate classification (germline): Benign/Likely benign. Review status: criteria provided, multiple submitters, no conflicts (2 of 4 stars). 4 submissions from 4 submitters: Benign (1); Likely benign (3). Last evaluated 2025-12-17.

Conditions:
Cardiac arrhythmia. Also called: Cardiac rhythm disease; Arrhythmia. Identifiers: MedGen C0003811, MONDO:0007263, HP:0011675.
Cardiovascular phenotype. Identifiers: MedGen CN230736.
Long QT syndrome (LQTS). Identifiers: MedGen C0023976, MeSH D008133, MONDO:0002442. Disease mechanism: loss of function. Inheritance: Various modes of inheritance.

Submissions (4):

Labcorp Genetics (formerly Invitae), Labcorp
Classification: Benign for Long QT syndrome. Last evaluated: 2025-12-17. Review status: criteria provided, single submitter. Criteria: Invitae Variant Classification Sherloc (09022015). Collection method: clinical testing. Allele origin: germline.

All of Us Research Program, National Institutes of Health
Classification: Likely benign for Long QT syndrome. Last evaluated: 2023-11-20. Review status: criteria provided, single submitter. Criteria: ACMG Guidelines, 2015. Collection method: clinical testing. Allele origin: germline. Inheritance: Autosomal dominant inheritance. Observed: 2 variant alleles, 2 heterozygotes.
Comment: This study involves interpretation of variants in research participants for the purpose of population health screening. Participant phenotype was not available at the time of variant classification. Additional details can be found in publication PMID: 35346344, PMCID: PMC8962531

Ambry Genetics
Classification: Likely benign for Cardiovascular phenotype. Last evaluated: 2021-10-20. Review status: criteria provided, single submitter. Criteria: Ambry Variant Classification Scheme 2023. Collection method: clinical testing. Allele origin: germline.

Color Diagnostics, LLC DBA Color Health
Classification: Likely benign for Arrhythmia. Last evaluated: 2019-06-10. Review status: criteria provided, single submitter. Criteria: ACMG Guidelines, 2015. Collection method: clinical testing. Allele origin: germline.